The following is an entry in ClinVar:

ClinVar aggregate classification (germline): Uncertain significance (1 of 4 stars; one submission).

Conditions:
Hereditary nonpolyposis colorectal neoplasms. Identifiers: MedGen C0009405, MeSH D003123.

Submission:

Labcorp Genetics (formerly Invitae), Labcorp
Classification: Uncertain significance for Hereditary nonpolyposis colorectal neoplasms. Last evaluated: 2024-12-23. Review status: criteria provided, single submitter. Criteria: Invitae Variant Classification Sherloc (09022015). Collection method: clinical testing. Allele origin: germline.
Comment: This sequence change replaces lysine, which is basic and polar, with glutamine, which is neutral and polar, at codon 374 of the MSH6 protein (p.Lys374Gln). This variant is not present in population databases (gnomAD no frequency). This variant has not been reported in the literature in individuals affected with MSH6-related conditions. Invitae Evidence Modeling of protein sequence and biophysical properties (such as structural, functional, and spatial information, amino acid conservation, physicochemical variation, residue mobility, and thermodynamic stability) indicates that this missense variant is not expected to disrupt MSH6 protein function with a negative predictive value of 95%. In summary, the available evidence is currently insufficient to determine the role of this variant in disease. Therefore, it has been classified as a Variant of Uncertain Significance.

NM_000179.3(MSH6):c.1120A>C (p.Lys374Gln)

Gene: MSH6 (mutS homolog 6; plus strand). Cytogenetic location: 2p16.3.
Variant type: single nucleotide variant.
Coding change: c.1120A>C on transcript NM_000179.3 (MANE Select); coding-DNA position 1120, A replaced by C.
Protein change: p.Lys374Gln; replaces lysine 374 with glutamine.
Molecular consequence: missense variant. On other transcripts: non-coding transcript variant (4), intron variant (1).
Genome position (GRCh38, 1-based): chr2:47,799,103, A>C. VCF-style: chr2-47799103-A-C. GRCh37 (hg19) VCF-style: chr2-48026242-A-C.
Other names: c.730A>C, p.Lys244Gln (NM_001281492.2); c.214A>C, p.Lys72Gln (NM_001281493.2, NM_001281494.2, NM_001406811.1 and 6 more transcripts); c.1216A>C, p.Lys406Gln (NM_001406795.1, NM_001406802.1); c.1120A>C, p.Lys374Gln (NM_001406796.1, NM_001406798.1, NM_001406800.1 and 4 more transcripts); c.823A>C, p.Lys275Gln (NM_001406797.1, NM_001406801.1, NM_001406805.1 and 10 more transcripts); c.595A>C, p.Lys199Gln (NM_001406799.1, NM_001406806.1, NM_001406807.1); c.1042A>C, p.Lys348Gln (NM_001406804.1); c.1126A>C, p.Lys376Gln (NM_001406813.1); and 2 more; short protein forms K199Q, K244Q, K275Q, K318Q, K348Q, K374Q, K376Q, K406Q.
Identifiers: ClinVar variation 3613302 (VCV003613302.2).